The following is an entry in ClinVar:

NM_000085.5(CLCNKB):c.528G>C (p.Met176Ile)

Genes: CLCNKB (chloride voltage-gated channel Kb; plus strand), LOC106501713 (CLCNKB recombination region; plus strand). Cytogenetic location: 1p36.13.
Variant type: single nucleotide variant.
Coding change: c.528G>C on transcript NM_000085.5 (MANE Select); coding-DNA position 528, G replaced by C.
Protein change: p.Met176Ile; replaces methionine 176 with isoleucine.
Molecular consequence: missense variant.
Genome position (GRCh38, 1-based): chr1:16,048,372, G>C. VCF-style: chr1-16048372-G-C. GRCh37 (hg19) VCF-style: chr1-16374867-G-C.
Other names: short protein forms M176I.
Identifiers: ClinVar variation 2151864 (VCV002151864.3), dbSNP rs775055715, ClinGen allele CA623358.

ClinVar aggregate classification (germline): Uncertain significance (1 of 4 stars; one submission).

Allele frequency attached by ClinVar (database versions not stated): ExAC 0.00001; gnomAD 0.00001; TOPMed 0.00001.

Submission:

Labcorp Genetics (formerly Invitae), Labcorp
Classification: Uncertain significance. Last evaluated: 2024-01-02. Review status: criteria provided, single submitter. Criteria: Invitae Variant Classification Sherloc (09022015). Collection method: clinical testing. Allele origin: germline.
Comment: This sequence change replaces methionine, which is neutral and non-polar, with isoleucine, which is neutral and non-polar, at codon 176 of the CLCNKB protein (p.Met176Ile). This variant is present in population databases (rs775055715, gnomAD 0.009%). This variant has not been reported in the literature in individuals affected with CLCNKB-related conditions. ClinVar contains an entry for this variant (Variation ID: 2151864). Advanced modeling of protein sequence and biophysical properties (such as structural, functional, and spatial information, amino acid conservation, physicochemical variation, residue mobility, and thermodynamic stability) performed at Invitae indicates that this missense variant is not expected to disrupt CLCNKB protein function with a negative predictive value of 95%. In summary, the available evidence is currently insufficient to determine the role of this variant in disease. Therefore, it has been classified as a Variant of Uncertain Significance.